The following is an entry in ClinVar:

NM_014874.4(MFN2):c.2231A>G (p.Glu744Gly)

Gene: MFN2 (mitofusin 2; plus strand). Cytogenetic location: 1p36.22.
Variant type: single nucleotide variant.
Coding change: c.2231A>G on transcript NM_014874.4 (MANE Select); coding-DNA position 2231, A replaced by G.
Protein change: p.Glu744Gly; replaces glutamic acid 744 with glycine.
Molecular consequence: missense variant.
Genome position (GRCh38, 1-based): chr1:12,011,522, A>G. VCF-style: chr1-12011522-A-G. GRCh37 (hg19) VCF-style: chr1-12071579-A-G.
Other names: c.2231A>G, p.Glu744Gly (NM_001127660.2); short protein forms E744G.
Identifiers: ClinVar variation 430101 (VCV000430101.8), dbSNP rs1131691782, ClinGen allele CA338454350.
Genomic context (GRCh38, chr1:12,011,522, plus strand): 5'-CTATCATGGTTACAAAAGAACCATTTCTTTGCAGGAATAAAGCCGGTTGGTTGGACAGTG[A>G]GCTCAACATGTTCACACACCAGTACCTGCAGCCCAGCAGATAGTGGGCACCTGAGGCGGA-3'
Protein context (NP_055689.1, residues 734-754): LRNKAGWLDS[Glu744Gly]LNMFTHQYLQ

ClinVar aggregate classification (germline): Conflicting classifications of pathogenicity. Review status: criteria provided, conflicting classifications (1 of 4 stars). 3 submissions from 3 submitters: Likely pathogenic (2); Uncertain significance (1). Last evaluated 2021-07-31.

Conditions:
MFN2-related disorder. Also called: MFN2-related disorders; MFN2-related condition.
Charcot-Marie-Tooth disease type 2. Also called: Charcot-Marie-Tooth type 2. Identifiers: Orphanet 64746, MedGen C0270914, MONDO:0018993.

Submissions (3):

Labcorp Genetics (formerly Invitae), Labcorp
Classification: Likely pathogenic for Charcot-Marie-Tooth disease type 2. Last evaluated: 2021-07-31. Review status: criteria provided, single submitter. Criteria: Invitae Variant Classification Sherloc (09022015). Collection method: clinical testing. Allele origin: germline.
Comment: In summary, the currently available evidence indicates that the variant is pathogenic, but additional data are needed to prove that conclusively. Therefore, this variant has been classified as Likely Pathogenic. Advanced modeling of protein sequence and biophysical properties (such as structural, functional, and spatial information, amino acid conservation, physicochemical variation, residue mobility, and thermodynamic stability) performed at Invitae indicates that this missense variant is expected to disrupt MFN2 protein function. ClinVar contains an entry for this variant (Variation ID: 430101). This variant has not been reported in the literature in individuals affected with MFN2-related conditions. This variant is not present in population databases (ExAC no frequency). This sequence change replaces glutamic acid with glycine at codon 744 of the MFN2 protein (p.Glu744Gly). The glutamic acid residue is moderately conserved and there is a moderate physicochemical difference between glutamic acid and glycine. This variant disrupts the p.Glu744 amino acid residue in MFN2. Other variant(s) that disrupt this residue have been observed in individuals with MFN2-related conditions (PMID: 22206013, 24863639; Invitae), which suggests that this may be a clinically significant amino acid residue.

Blueprint Genetics
Classification: Likely pathogenic for MFN2-related disorders. Last evaluated: 2019-11-27. Review status: criteria provided, single submitter. Criteria: ACMG Guidelines, 2015. Collection method: clinical testing. Allele origin: germline. Affected: yes. Observed: 4 variant alleles.

GeneDx
Classification: Uncertain significance. Last evaluated: 2017-05-16. Review status: criteria provided, single submitter. Criteria: GeneDx Variant Classification (06012015). Collection method: clinical testing. Allele origin: germline. Affected: yes.
Comment: A variant of uncertain significance has been identified in the MFN2 gene. The E744G variant has not been published as a pathogenic variant, nor has it been reported as a benign variant to our knowledge. The E744G variant is not observed in large population cohorts (Lek et al., 2016; 1000 Genomes Consortium et al., 2015; Exome Variant Server). The E744G variant is a non-conservative amino acid substitution, which is likely to impact secondary protein structure as these residues differ in polarity, charge, size and/or other properties. This substitution occurs at a position that is conserved across species and in silico analysis predicts this variant is probably damaging to the protein structure/function. Additionally a different missense variant at the same codon (E744K) as well as multiple missense variants in nearby residues have been reported in association with Charcot- Marie-Tooth disease, type 2A. Based on the currently available information, it is unclear whether this variant is a pathogenic variant or a rare benign variant.

Literature cited by the submitters: PubMed 22206013 (cited by Labcorp Genetics (formerly Invitae), Labcorp); PubMed 24863639 (cited by Labcorp Genetics (formerly Invitae), Labcorp).